The following is an entry in ClinVar:

NM_001267550.2(TTN):c.22008T>G (p.Val7336=)

Gene: TTN (titin; minus strand). Cytogenetic location: 2q31.2.
Variant type: single nucleotide variant.
Coding change: c.22008T>G on transcript NM_001267550.2 (MANE Select); coding-DNA position 22008, T replaced by G.
Protein change: p.Val7336=; no amino-acid change (valine 7336 retained).
Molecular consequence: synonymous variant. On other transcripts: intron variant (3).
Genome position (GRCh38, 1-based): chr2:178,722,891, A>C on the plus strand (T>G on the coding strand, the complement: TTN is on the minus strand). VCF-style: chr2-178722891-A-C. GRCh37 (hg19) VCF-style: chr2-179587618-A-C.
Other names: c.21057T>G, p.Val7019= (NM_001256850.1); c.18276T>G, p.Val6092= (NM_133378.4); c.13282+15191T>G (NM_003319.4); c.13858+15191T>G (NM_133437.4); c.13657+15191T>G (NM_133432.3).
Identifiers: ClinVar variation 1142597 (VCV001142597.33), dbSNP rs976920570, ClinGen allele CA60973721.

ClinVar aggregate classification (germline): Likely benign. Review status: criteria provided, multiple submitters, no conflicts (2 of 4 stars). 2 submissions from 2 submitters: Likely benign (2). Last evaluated 2025-12-28.

Conditions:
Dilated cardiomyopathy 1G (CMD1G). Identifiers: Orphanet 154, MedGen C1858763, MONDO:0011400, OMIM 604145.
Autosomal recessive limb-girdle muscular dystrophy type 2J (LGMDR10). Also called: MUSCULAR DYSTROPHY, LIMB-GIRDLE, AUTOSOMAL RECESSIVE 10; Limb-girdle muscular dystrophy, type 2J. Identifiers: Orphanet 140922, MedGen C1837342, MONDO:0012127, OMIM 608807.

Allele frequency attached by ClinVar (database versions not stated): gnomAD exomes below 0.00001.
gnomAD v4.1: 1 of 1,612,984 alleles (0.000062%); highest among the groups gnomAD compares: Non-Finnish European, 0.000085%; no homozygotes.

Submissions (2):

Labcorp Genetics (formerly Invitae), Labcorp
Classification: Likely benign for Dilated cardiomyopathy 1G; Autosomal recessive limb-girdle muscular dystrophy type 2J. Last evaluated: 2025-12-28. Review status: criteria provided, single submitter. Criteria: Invitae Variant Classification Sherloc (09022015). Collection method: clinical testing. Allele origin: germline.

CeGaT Center for Human Genetics Tuebingen
Classification: Likely benign. Last evaluated: 2022-04-01. Review status: criteria provided, single submitter. Criteria: CeGaT Center For Human Genetics Tuebingen Variant Classification Criteria Version 2. Collection method: clinical testing. Allele origin: germline. Affected: yes. Observed: 1 variant allele.
Comment: TTN: PM2:Supporting, BP4, BP7